The following is an entry in ClinVar:

ClinVar aggregate classification (germline): Uncertain significance. Review status: criteria provided, multiple submitters, no conflicts (2 of 4 stars). 8 submissions from 8 submitters: Uncertain significance (6). 2 of the submissions do not count toward it. Last evaluated 2025-05-11.

Conditions:
Cardiovascular phenotype. Identifiers: MedGen CN230736.
Noonan syndrome and Noonan-related syndrome. Identifiers: Orphanet 98733, MedGen C5681679, MONDO:0020297.
RASopathy. Also called: Noonan spectrum disorder; rasopathies. Identifiers: Orphanet 536391, MedGen C5555857, MONDO:0021060.

Allele frequency attached by ClinVar (database versions not stated): gnomAD 0.00001; gnomAD exomes 0.00001; TOPMed 0.00001; ExAC 0.00002; 1000 Genomes Project 30x 0.00016; 1000 Genomes Project 0.00020.
gnomAD v4.1: 16 of 1,614,160 alleles (0.00099%); highest among the groups gnomAD compares: East Asian, 0.0045%; no homozygotes.

Submissions (8):

Labcorp Genetics (formerly Invitae), Labcorp
Classification: Uncertain significance for RASopathy. Last evaluated: 2025-05-11. Review status: criteria provided, single submitter. Criteria: Invitae Variant Classification Sherloc (09022015). Collection method: clinical testing. Allele origin: germline.
Comment: This sequence change replaces threonine, which is neutral and polar, with methionine, which is neutral and non-polar, at codon 10 of the RAF1 protein (p.Thr10Met). This variant is present in population databases (rs144637992, gnomAD 0.006%). This variant has not been reported in the literature in individuals affected with RAF1-related conditions. ClinVar contains an entry for this variant (Variation ID: 452342). Invitae Evidence Modeling incorporating data from in vitro experimental studies (internal data) indicates that this missense variant is not expected to disrupt RAF1 function with a negative predictive value of 80%. In summary, the available evidence is currently insufficient to determine the role of this variant in disease. Therefore, it has been classified as a Variant of Uncertain Significance.

Molecular Diagnostic Laboratory for Inherited Cardiovascular Disease, Montreal Heart Institute
Classification: Uncertain significance for Cardiovascular phenotype. Last evaluated: 2025-04-09. Review status: criteria provided, single submitter. Criteria: ACMG Guidelines, 2015. Collection method: clinical testing. Allele origin: germline. Affected: yes.
Comment: PM2;PP2;PS4_supp;BP4

Ambry Genetics
Classification: Uncertain significance for Cardiovascular phenotype. Last evaluated: 2025-03-05. Review status: criteria provided, single submitter. Criteria: Ambry Variant Classification Scheme 2023. Collection method: clinical testing. Allele origin: germline.
Comment: The p.T10M variant (also known as c.29C>T), located in coding exon 1 of the RAF1 gene, results from a C to T substitution at nucleotide position 29. The threonine at codon 10 is replaced by methionine, an amino acid with similar properties. This variant has been reported in association with pediatric dilated cardiomyopathy (DCM) (Herkert JC et al. Genet Med, 2018 Nov;20:1374-1386; van der Meulen MH et al. Circ Genom Precis Med, 2022 Oct;15:e002981). This amino acid position is well conserved in available vertebrate species. In addition, the in silico prediction for this alteration is inconclusive. Based on the available evidence, the clinical significance of this variant remains unclear.

Blueprint Genetics
Classification: Uncertain significance. Last evaluated: 2022-07-14. Review status: criteria provided, single submitter. Criteria: ACMG Guidelines, 2015. Collection method: clinical testing. Allele origin: germline.

Genome Diagnostics Laboratory, The Hospital for Sick Children
Classification: Uncertain significance for Noonan syndrome and Noonan-related syndrome. Last evaluated: 2018-09-01. Review status: criteria provided, single submitter. Criteria: ACMG Guidelines, 2015. Collection method: clinical testing. Allele origin: germline.

GeneDx
Classification: Uncertain significance. Last evaluated: 2017-09-25. Review status: criteria provided, single submitter. Criteria: GeneDx Variant Classification (06012015). Collection method: clinical testing. Allele origin: germline. Affected: yes.
Comment: A variant of uncertain significance has been identified in the RAF1 gene. The T10M variant has notbeen published as pathogenic or been reported as benign to our knowledge. This variant is not observedat a significant frequency in large population cohorts (Lek et al., 2016). The T10M variant is anon-conservative amino acid substitution, which is likely to impact secondary protein structure asthese residues differ in polarity, charge, size and/or other properties. This substitution occurs at aposition that is conserved in mammals. However, in silico analysis is inconsistent in its predictions asto whether or not the variant is damaging to the protein structure/function.

Diagnostic Laboratory, Department of Genetics, University Medical Center Groningen
Classification: Uncertain significance. Review status: no assertion criteria provided. Collection method: clinical testing. Allele origin: germline. Affected: yes. Study: VKGL Data-share Consensus. Not counted in ClinVar's aggregate classification.

Genome Diagnostics Laboratory, Amsterdam University Medical Center
Classification: Uncertain significance. Review status: no assertion criteria provided. Collection method: clinical testing. Allele origin: germline. Affected: yes. Study: VKGL Data-share Consensus. Not counted in ClinVar's aggregate classification.

Literature cited by the submitters: PubMed 29517769 (cited by Ambry Genetics); PubMed 36178741 (cited by Ambry Genetics).

NM_002880.4(RAF1):c.29C>T (p.Thr10Met)

Gene: RAF1 (Raf-1 proto-oncogene, serine/threonine kinase; minus strand). Cytogenetic location: 3p25.2.
Variant type: single nucleotide variant.
Coding change: c.29C>T on transcript NM_002880.4 (MANE Select); coding-DNA position 29, C replaced by T.
Protein change: p.Thr10Met; replaces threonine 10 with methionine.
Molecular consequence: missense variant. On other transcripts: 5 prime UTR variant (4), non-coding transcript variant (3).
Genome position (GRCh38, 1-based): chr3:12,618,693, G>A on the plus strand (C>T on the coding strand, the complement: RAF1 is on the minus strand). VCF-style: chr3-12618693-G-A. GRCh37 (hg19) VCF-style: chr3-12660192-G-A.
Other names: c.29C>T, p.Thr10Met (NM_001354689.3, NM_001354690.3, NM_001354693.3); c.-102C>T (NM_001354691.3, NM_001354692.3, NM_001354694.3 and 1 more transcripts); short protein forms T10M.
Identifiers: ClinVar variation 452342 (VCV000452342.14), dbSNP rs144637992, ClinGen allele CA2259851.